The following is an entry in ClinVar:

NM_005548.3(KARS1):c.139C>G (p.Gln47Glu)

Gene: KARS1 (lysyl-tRNA synthetase 1; minus strand). Cytogenetic location: 16q23.1.
Variant type: single nucleotide variant.
Coding change: c.139C>G on transcript NM_005548.3 (MANE Select); coding-DNA position 139, C replaced by G.
Protein change: p.Gln47Glu; replaces glutamine 47 with glutamic acid.
Molecular consequence: missense variant. On other transcripts: 5 prime UTR variant (1).
Genome position (GRCh38, 1-based): chr16:75,641,647, G>C on the plus strand (C>G on the coding strand, the complement: KARS1 is on the minus strand). VCF-style: chr16-75641647-G-C. GRCh37 (hg19) VCF-style: chr16-75675545-G-C.
Other names: c.223C>G, p.Gln75Glu (NM_001130089.2); c.-330C>G (NM_001378148.1); short protein forms Q47E, Q75E.
Identifiers: ClinVar variation 3369665 (VCV003369665.2).

ClinVar aggregate classification (germline): Uncertain significance. Review status: criteria provided, multiple submitters, no conflicts (2 of 4 stars). 2 submissions from 2 submitters: Uncertain significance (2). Last evaluated 2025-08-17.

gnomAD v4.1: 1 of 1,613,916 alleles (0.000062%); no homozygotes.

Submissions (2):

Labcorp Genetics (formerly Invitae), Labcorp
Classification: Uncertain significance. Last evaluated: 2025-08-17. Review status: criteria provided, single submitter. Criteria: Invitae Variant Classification Sherloc (09022015). Collection method: clinical testing. Allele origin: germline.
Comment: This sequence change replaces glutamine, which is neutral and polar, with glutamic acid, which is acidic and polar, at codon 75 of the KARS protein (p.Gln75Glu). This variant is not present in population databases (gnomAD no frequency). This variant has not been reported in the literature in individuals affected with KARS-related conditions. ClinVar contains an entry for this variant (Variation ID: 3369665). An algorithm developed to predict the effect of missense changes on protein structure and function (PolyPhen-2) suggests that this variant is likely to be tolerated. In summary, the available evidence is currently insufficient to determine the role of this variant in disease. Therefore, it has been classified as a Variant of Uncertain Significance.

GeneDx
Classification: Uncertain significance. Last evaluated: 2024-02-26. Review status: criteria provided, single submitter. Criteria: GeneDx Variant Classification Process June 2021. Collection method: clinical testing. Allele origin: germline. Affected: yes.
Comment: Not observed at significant frequency in large population cohorts (gnomAD); In silico analysis supports that this missense variant does not alter protein structure/function; Has not been previously published as pathogenic or benign to our knowledge